The following is an entry in ClinVar:

ClinVar aggregate classification (germline): Likely pathogenic. Review status: criteria provided, multiple submitters, no conflicts (2 of 4 stars). 2 submissions from 2 submitters: Likely pathogenic (2). Last evaluated 2024-02-23.

Conditions:
Retinitis pigmentosa 25 (RP25). Identifiers: Orphanet 791, MedGen C1864446, MONDO:0011272, OMIM 602772.

gnomAD v4.1: 1 of 1,550,916 alleles (0.000064%); highest among the groups gnomAD compares: Non-Finnish European, 0.000087%; no homozygotes.

Submissions (2):

Natera, Inc.
Classification: Likely pathogenic for Retinitis pigmentosa type 25. Last evaluated: 2024-02-23. Review status: criteria provided, single submitter. Criteria: Natera Variant Classification Schema (03/2026). Collection method: clinical testing. Allele origin: germline.
Comment: The c.7412-2A>G variant in EYS is a canonical splice acceptor site variant predicted to affect pre-mRNA splicing, which may result in an abnormal transcript and altered protein product. This variant is expected to result in nonsense mediated decay, truncation, or a dysfunctional protein product. This variant is rare in the general population with a frequency below the threshold expected for the associated phenotype(s). Given the available evidence, this variant is classified as Likely Pathogenic.

Labcorp Genetics (formerly Invitae), Labcorp
Classification: Likely pathogenic. Last evaluated: 2020-11-02. Review status: criteria provided, single submitter. Criteria: Invitae Variant Classification Sherloc (09022015). Collection method: clinical testing. Allele origin: germline.
Comment: This sequence change affects an acceptor splice site in intron 37 of the EYS gene. It is expected to disrupt RNA splicing. Variants that disrupt the donor or acceptor splice site typically lead to a loss of protein function (PMID: 16199547), and loss-of-function variants in EYS are known to be pathogenic (PMID: 18836446, 20333770). Disruption of this splice site has been observed in individual(s) with retinitis pigmentosa (PMID: 30718709). This variant is not present in population databases (ExAC no frequency). In summary, the currently available evidence indicates that the variant is pathogenic, but additional data are needed to prove that conclusively. Therefore, this variant has been classified as Likely Pathogenic. Algorithms developed to predict the effect of sequence changes on RNA splicing suggest that this variant may disrupt the consensus splice site, but this prediction has not been confirmed by published transcriptional studies.

Literature cited by the submitters: PubMed 16199547 (cited by Labcorp Genetics (formerly Invitae), Labcorp); PubMed 18836446 (cited by Labcorp Genetics (formerly Invitae), Labcorp); PubMed 20333770 (cited by Labcorp Genetics (formerly Invitae), Labcorp); PubMed 30718709 (cited by Labcorp Genetics (formerly Invitae), Labcorp).

NM_001142800.2(EYS):c.7412-2A>G

Gene: EYS (EGF-like photoreceptor maintenance factor; minus strand). Cytogenetic location: 6q12.
Variant type: single nucleotide variant.
Coding change: c.7412-2A>G on transcript NM_001142800.2 (MANE Select); the canonical splice acceptor site of the intron before coding-DNA position 7412, A replaced by G.
Molecular consequence: splice acceptor variant.
Genome position (GRCh38, 1-based): chr6:63,789,226, T>C on the plus strand (A>G on the coding strand, the complement: EYS is on the minus strand). VCF-style: chr6-63789226-T-C. GRCh37 (hg19) VCF-style: chr6-64499119-T-C.
Other names: c.7412-2A>G (NM_001292009.2, NM_001142800.1).
Identifiers: ClinVar variation 1500440 (VCV001500440.9), dbSNP rs2149670951, ClinGen allele CA364386187.